The following is an entry in ClinVar:

NM_014905.5(GLS):c.1650+1093A>G

Gene: GLS (glutaminase; plus strand). Cytogenetic location: 2q32.2.
Variant type: single nucleotide variant.
Coding change: c.1650+1093A>G on transcript NM_014905.5 (MANE Select); 1093 bases into the intron after coding-DNA position 1650, A replaced by G.
Molecular consequence: intron variant. On other transcripts: synonymous variant (1).
Genome position (GRCh38, 1-based): chr2:190,932,730, A>G. VCF-style: chr2-190932730-A-G. GRCh37 (hg19) VCF-style: chr2-191797456-A-G.
Other names: c.1665A>G, p.Pro555= (NM_001256310.2).
Identifiers: ClinVar variation 3039095 (VCV003039095.2), dbSNP rs190539169, ClinGen allele CA2029563.

ClinVar aggregate classification (germline): Likely benign (0 of 4 stars; one submission).

Conditions:
GLS-related disorder. Also called: GLS-related condition.

Allele frequency attached by ClinVar (database versions not stated): gnomAD exomes 0.00004; ExAC 0.00009; 1000 Genomes Project 30x 0.00016; 1000 Genomes Project 0.00020; TOPMed 0.00034; ESP Exome Variant Server 0.00035.
gnomAD v4.1: 94 of 1,600,410 alleles (0.0059%); highest among the groups gnomAD compares: African/African-American, 0.11%; no homozygotes.

Submission:

PreventionGenetics, part of Exact Sciences
Classification: Likely benign for GLS-related condition. Last evaluated: 2019-05-28. Review status: no assertion criteria provided. Collection method: clinical testing. Allele origin: germline.
Comment: This variant is classified as likely benign based on ACMG/AMP sequence variant interpretation guidelines (Richards et al. 2015 PMID: 25741868, with internal and published modifications).